The following is an entry in ClinVar:

NM_006446.5(SLCO1B1):c.311T>A (p.Met104Lys)

Gene: SLCO1B1 (solute carrier organic anion transporter family member 1B1; plus strand). Cytogenetic location: 12p12.1.
Variant type: single nucleotide variant.
Coding change: c.311T>A on transcript NM_006446.5 (MANE Select); coding-DNA position 311, T replaced by A.
Protein change: p.Met104Lys; replaces methionine 104 with lysine.
Molecular consequence: missense variant.
Genome position (GRCh38, 1-based): chr12:21,174,661, T>A. VCF-style: chr12-21174661-T-A. GRCh37 (hg19) VCF-style: chr12-21327595-T-A.
Other names: short protein forms M104K.
Identifiers: ClinVar variation 883135 (VCV000883135.4), dbSNP rs1258500103, ClinGen allele CA384104239.
Genomic context (GRCh38, chr12:21,174,661, plus strand): 5'-TGAGTTACTTTGGATCCAAACTACATAGACCAAAGTTAATTGGAATCGGTTGTTTCATTA[T>A]GGGAATTGGAGGTGTTTTGACTGCTTTGCCACATTTCTTCATGGGATAGTAAGTGTTAAA-3'
Protein context (NP_006437.3, residues 94-114): PKLIGIGCFI[Met104Lys]GIGGVLTALP

ClinVar aggregate classification (germline): Uncertain significance (1 of 4 stars; one submission).

Conditions:
Rotor syndrome (HBLRR). Also called: HYPERBILIRUBINEMIA, ROTOR TYPE, DIGENIC; HYPERBILIRUBINEMIA, ROTOR TYPE. Identifiers: Orphanet 3111, MedGen C0220991, MONDO:0009379, OMIM 237450.

Allele frequency attached by ClinVar (database versions not stated): gnomAD exomes below 0.00001; TOPMed below 0.00001; gnomAD 0.00001.

Submission:

Illumina Laboratory Services, Illumina
Classification: Uncertain significance for Rotor syndrome. Last evaluated: 2017-04-27. Review status: criteria provided, single submitter. Criteria: ICSL Variant Classification Criteria 13 December 2019. Collection method: clinical testing. Allele origin: germline.
Comment: This variant was observed as part of a predisposition screen in an ostensibly healthy population. A literature search was performed for the gene, cDNA change, and amino acid change (where applicable). Publications were found based on this search. However, the evidence from the literature, in combination with allele frequency data from public databases where available, was not sufficient to rule this variant in or out of causing disease. Therefore, this variant is classified as a variant of unknown significance.

Literature cited by the submitters: PubMed 18159134.